The following is an entry in ClinVar:

NM_030780.5(SLC25A32):c.343G>A (p.Ala115Thr)

Gene: SLC25A32 (solute carrier family 25 member 32; minus strand). Cytogenetic location: 8q22.3.
Variant type: single nucleotide variant.
Coding change: c.343G>A on transcript NM_030780.5 (MANE Select); coding-DNA position 343, G replaced by A.
Protein change: p.Ala115Thr; replaces alanine 115 with threonine.
Molecular consequence: missense variant. On other transcripts: non-coding transcript variant (1).
Genome position (GRCh38, 1-based): chr8:103,404,824, C>T on the plus strand (G>A on the coding strand, the complement: SLC25A32 is on the minus strand). VCF-style: chr8-103404824-C-T. GRCh37 (hg19) VCF-style: chr8-104417052-C-T.
Other names: short protein forms A115T.
Identifiers: ClinVar variation 2088555 (VCV002088555.4), dbSNP rs1243915973, ClinGen allele CA371627072.

ClinVar aggregate classification (germline): Uncertain significance (1 of 4 stars; one submission).

Allele frequency attached by ClinVar (database versions not stated): gnomAD exomes below 0.00001; TOPMed below 0.00001; gnomAD 0.00001.

Submission:

Labcorp Genetics (formerly Invitae), Labcorp
Classification: Uncertain significance. Last evaluated: 2022-01-21. Review status: criteria provided, single submitter. Criteria: Invitae Variant Classification Sherloc (09022015). Collection method: clinical testing. Allele origin: germline.
Comment: This sequence change replaces alanine, which is neutral and non-polar, with threonine, which is neutral and polar, at codon 115 of the SLC25A32 protein (p.Ala115Thr). This variant is not present in population databases (gnomAD no frequency). This variant has not been reported in the literature in individuals affected with SLC25A32-related conditions. Algorithms developed to predict the effect of missense changes on protein structure and function output the following: SIFT: "Tolerated"; PolyPhen-2: "Benign"; Align-GVGD: "Class C0". The threonine amino acid residue is found in multiple mammalian species, which suggests that this missense change does not adversely affect protein function. In summary, the available evidence is currently insufficient to determine the role of this variant in disease. Therefore, it has been classified as a Variant of Uncertain Significance.